The following is an entry in ClinVar:

ClinVar aggregate classification (germline): Likely benign. Review status: criteria provided, multiple submitters, no conflicts (2 of 4 stars). 4 submissions from 4 submitters: Likely benign (4). Last evaluated 2025-12-24.

Conditions:
POLE-related disorder. Also called: POLE-related disorders; POLE-related condition.
Hereditary cancer-predisposing syndrome. Also called: Neoplastic Syndromes, Hereditary; Tumor predisposition; Hereditary Cancer Syndrome; Hereditary neoplastic syndrome. Identifiers: Orphanet 140162, MedGen C0027672, MeSH D009386, MONDO:0015356.

Allele frequency attached by ClinVar (database versions not stated): gnomAD exomes below 0.00001 and 0.00002; ExAC 0.00004; gnomAD 0.00005; TOPMed 0.00006; ESP Exome Variant Server 0.00008.
gnomAD v4.1: 11 of 1,612,460 alleles (0.00068%); highest among the groups gnomAD compares: African/African-American, 0.013%; no homozygotes.

Submissions (4):

Labcorp Genetics (formerly Invitae), Labcorp
Classification: Likely benign. Last evaluated: 2025-12-24. Review status: criteria provided, single submitter. Criteria: Invitae Variant Classification Sherloc (09022015). Collection method: clinical testing. Allele origin: germline.

PreventionGenetics, part of Exact Sciences
Classification: Likely benign for POLE-related condition. Last evaluated: 2024-10-19. Review status: criteria provided, single submitter. Criteria: ACMG Guidelines, 2015. Collection method: clinical testing. Allele origin: germline.
Comment: This variant is classified as likely benign based on ACMG/AMP sequence variant interpretation guidelines (Richards et al. 2015 PMID: 25741868, with internal and published modifications).

GeneDx
Classification: Likely benign. Last evaluated: 2016-12-02. Review status: criteria provided, single submitter. Criteria: GeneDx Variant Classification (06012015). Collection method: clinical testing. Allele origin: germline. Affected: yes.
Comment: This variant is considered likely benign or benign based on one or more of the following criteria: it is a conservative change, it occurs at a poorly conserved position in the protein, it is predicted to be benign by multiple in silico algorithms, and/or has population frequency not consistent with disease.

Ambry Genetics
Classification: Likely benign for Hereditary cancer-predisposing syndrome. Last evaluated: 2015-11-02. Review status: criteria provided, single submitter. Criteria: Ambry Variant Classification Scheme 2023. Collection method: clinical testing. Allele origin: germline.

NM_006231.4(POLE):c.3801A>G (p.Glu1267=)

Gene: POLE (DNA polymerase epsilon, catalytic subunit; minus strand). Cytogenetic location: 12q24.33.
Variant type: single nucleotide variant.
Coding change: c.3801A>G on transcript NM_006231.4 (MANE Select); coding-DNA position 3801, A replaced by G.
Protein change: p.Glu1267=; no amino-acid change (glutamic acid 1267 retained).
Molecular consequence: synonymous variant.
Genome position (GRCh38, 1-based): chr12:132,649,510, T>C on the plus strand (A>G on the coding strand, the complement: POLE is on the minus strand). VCF-style: chr12-132649510-T-C. GRCh37 (hg19) VCF-style: chr12-133226096-T-C.
Identifiers: ClinVar variation 391505 (VCV000391505.16), dbSNP rs369436095, ClinGen allele CA6893088.